The following is an entry in ClinVar:

ClinVar aggregate classification (germline): Uncertain significance (1 of 4 stars; one submission).

Submission:

Women's Health and Genetics/Laboratory Corporation of America, LabCorp
Classification: Uncertain significance. Last evaluated: 2026-01-14. Review status: criteria provided, single submitter. Criteria: LabCorp Variant Classification Summary - May 2015. Collection method: clinical testing. Allele origin: germline.
Comment: Variant summary: FBN1 c.-3A>G is located in the untranslated mRNA region upstream of the initiation codon. The variant was absent in 234430 control chromosomes. The available data on variant occurrences in the general population are insufficient to allow any conclusion about variant significance. To our knowledge, no occurrence of c.-3A>G in individuals affected with FBN1-related conditions and no experimental evidence demonstrating its impact on protein function have been reported. No submitters have cited clinical-significance assessments for this variant to ClinVar. Based on the evidence outlined above, the variant was classified as uncertain significance.

NM_000138.5(FBN1):c.-3A>G

Gene: FBN1 (fibrillin 1; minus strand). Cytogenetic location: 15q21.1.
Variant type: single nucleotide variant.
Coding change: c.-3A>G on transcript NM_000138.5 (MANE Select); 3 bases upstream of the start codon, A replaced by G.
Molecular consequence: 5 prime UTR variant.
Genome position (GRCh38, 1-based): chr15:48,644,772, T>C on the plus strand (A>G on the coding strand, the complement: FBN1 is on the minus strand). VCF-style: chr15-48644772-T-C. GRCh37 (hg19) VCF-style: chr15-48936969-T-C.
Other names: c.-3A>G (NM_001406716.1, NM_001406717.1, NM_001406718.1).
Identifiers: ClinVar variation 4689400 (VCV004689400.1).